The following is an entry in ClinVar:

ClinVar aggregate classification (germline): Uncertain significance (1 of 4 stars; one submission).

Conditions:
POLD1-related polyposis and colorectal cancer syndrome (CRCS10). Also called: Colorectal cancer 10; COLORECTAL CANCER, SUSCEPTIBILITY TO, ON CHROMOSOME 19q; Colorectal cancer, susceptibility to, 10. Identifiers: Orphanet 220460, MedGen C2675481, MONDO:0012953, OMIM 612591.

Submission:

Labcorp Genetics (formerly Invitae), Labcorp
Classification: Uncertain significance for POLD1-related polyposis and colorectal cancer syndrome. Last evaluated: 2019-06-01. Review status: criteria provided, single submitter. Criteria: Invitae Variant Classification Sherloc (09022015). Collection method: clinical testing. Allele origin: germline.
Comment: This variant is a gross deletion of the genomic region encompassing exons 2-12 and a portion of exon 13 of the POLD1 gene. This includes the initiator codon which is in exon 2. The 5' end of this event is unknown as it extends beyond the assayed region for this gene and therefore may encompass additional genes. The 3' boundary falls in codon 509 of exon 13 in the POLD1 gene (c.1525). This is expected to result in an absent or disrupted protein product. Gross deletions have not been reported in the literature in individuals with POLD1-related disease. Missense variants that disrupt the 3'-5' exonuclease (proof-reading) activity of the POLD1/POLE protein, while not abolishing its polymerase enzyme activity, are associated with an increased risk for colonic adenomatous polyps and colon cancer (PMID: 23263490, 23447401). Loss-of-function truncating variants, which result in an absent or severely disrupted POLD1/POLE protein, are therefore unlikely to be associated with disease. Without further clinical and genetic evidence, however, this variant has been classified as a Variant of Uncertain Significance.

Literature cited by the submitters: PubMed 23263490; PubMed 23447401.

NC_000019.10:g.(?_50398846)_(50406523_?)del

Gene: POLD1 (DNA polymerase delta 1, catalytic subunit; plus strand). Cytogenetic location: 19q13.33.
Variant type: Deletion.
Identifiers: ClinVar variation 537179 (VCV000537179.9).